The following is an entry in ClinVar:

NM_005762.3(TRIM28):c.1323+24_1323+71del

Gene: TRIM28 (tripartite motif containing 28; plus strand). Cytogenetic location: 19q13.43.
Variant type: Deletion.
Coding change: c.1323+24_1323+71del on transcript NM_005762.3 (MANE Select); bases 24 to 71 of the intron after coding-DNA position 1323, 48 bases deleted.
Molecular consequence: intron variant.
Genome position (GRCh38, 1-based): chr19:58,548,616-58,548,663, 48 bases deleted; deleting any 48 consecutive bases within chr19:58,548,596-58,548,663 gives the same sequence; the c. name uses the placement nearest the transcript's 3' end. GRCh37 (hg19): chr19:59,059,983-59,060,030.
Identifiers: ClinVar variation 3638638 (VCV003638638.2).

ClinVar aggregate classification (germline): Uncertain significance (1 of 4 stars; one submission).

Submission:

Labcorp Genetics (formerly Invitae), Labcorp
Classification: Uncertain significance. Last evaluated: 2024-12-09. Review status: criteria provided, single submitter. Criteria: Invitae Variant Classification Sherloc (09022015). Collection method: clinical testing. Allele origin: germline.
Comment: This sequence change falls in intron 9 of the TRIM28 gene. It does not directly change the encoded amino acid sequence of the TRIM28 protein. This variant is present in population databases (no rsID available, gnomAD 0.01%). This variant has not been reported in the literature in individuals affected with TRIM28-related conditions. Experimental studies and prediction algorithms are not available or were not evaluated, and the effect of this variant on mRNA splicing is currently unknown. In summary, the available evidence is currently insufficient to determine the role of this variant in disease. Therefore, it has been classified as a Variant of Uncertain Significance.